The following is an entry in ClinVar:

NM_025114.4(CEP290):c.828del (p.Glu277fs)

Gene: CEP290 (centrosomal protein 290; minus strand). Cytogenetic location: 12q21.32.
Variant type: Deletion.
Coding change: c.828del on transcript NM_025114.4 (MANE Select); coding-DNA position 828, one base deleted (A; older notation c.828delA).
Protein change: p.Glu277fs; shifts the reading frame from glutamic acid 277.
Molecular consequence: frameshift variant.
Genome position (GRCh38, 1-based): chr12:88,129,718, T deleted on the plus strand (A on the coding strand, the reverse complement: CEP290 is on the minus strand); the first of 7 consecutive T bases (chr12:88,129,718-88,129,724); deleting any one gives the same sequence. VCF-style (leftmost placement, unchanged base first): chr12-88129717-CT-C. GRCh37 (hg19) VCF-style: chr12-88523494-CT-C.
Other names: c.828delA (NM_025114.3); short protein forms E277fs.
Identifiers: ClinVar variation 523947 (VCV000523947.22), dbSNP rs1555225566, ClinGen allele CA481053041.
Genomic context (GRCh38, chr12:88,129,717, plus strand): 5'-GTCTGAATAAATAAGTTATTCTAAAAGTAATTCTTACTTGAAGTTGATAATGATCGTTTT[CT>C]TTTTTTAACTGATCTATTACATTATCTGTCTGATGCACAATAGCTTTCATTCTATTATAT-3'

ClinVar aggregate classification (germline): Pathogenic. Review status: criteria provided, multiple submitters, no conflicts (2 of 4 stars). 8 submissions from 8 submitters: Pathogenic (8). Last evaluated 2026-06-04.

Conditions:
Leber congenital amaurosis (LCA). Also called: Leber's amaurosis. Identifiers: Orphanet 65, MedGen C0339527, MeSH D057130, MONDO:0018998.
CEP290-related disorder. Also called: CEP290-related disorders; CEP290-related condition. Identifiers: MedGen CN239314.
CEP290-related ciliopathy. Also called: CEP290 ciliopathy. Identifiers: MedGen CN305601, MONDO:0100451.
Meckel-Gruber syndrome. Also called: GRUBER SYNDROME; DYSENCEPHALIA SPLANCHNOCYSTICA; Dysencephalia splachnocystica. Identifiers: Orphanet 564, MedGen C0265215, MONDO:0018921.
Joubert syndrome. Also called: JOUBERT-BOLTSHAUSER SYNDROME; Familial aplasia of the vermis. Identifiers: Orphanet 475, MedGen C5979921, MONDO:0018772.
Nephronophthisis. Also called: Juvenile Nephronophthisis. Identifiers: Orphanet 655, MedGen C0687120, MONDO:0019005, HP:0000090.
Joubert syndrome 5 (JBTS5). Identifiers: Orphanet 2318, MedGen C1857780, MONDO:0012432, OMIM 610188.
Senior-Loken syndrome 6 (SLSN6). Identifiers: Orphanet 3156, MedGen C1857779, MONDO:0012433, OMIM 610189.
Bardet-Biedl syndrome 14 (BBS14). Identifiers: Orphanet 110, MedGen C2673874, MONDO:0014442, OMIM 615991.
Leber congenital amaurosis 10 (LCA10). Identifiers: Orphanet 65, MedGen C1857821, MONDO:0012723, OMIM 611755.
Meckel syndrome, type 4 (MKS4). Also called: MECKEL-GRUBER SYNDROME, TYPE 4. Identifiers: Orphanet 564, MedGen C1970161, MONDO:0012626, OMIM 611134.

Submissions (8):

Myriad Genetics, Inc.
Classification: Pathogenic for CEP290-related ciliopathy. Last evaluated: 2026-06-04. Review status: criteria provided, single submitter. Criteria: Myriad Autosomal Dominant, Autosomal Recessive and X-Linked Classification Criteria (2023). Collection method: clinical testing. Allele origin: unknown.
Comment: NM_025114.3(CEP290):c.828delA(E277Kfs*16) is a frameshift variant classified as pathogenic in the context of CEP290-related disorders. E277Kfs*16 has been observed in cases with relevant disease (PMID: 23559409, 36990420). Relevant functional assessments of this variant are not available in the literature. E277Kfs*16 has been observed in referenced population frequency databases. In summary, NM_025114.3(CEP290):c.828delA(E277Kfs*16) is a frameshift variant in a gene where loss of function is a known mechanism of disease, is predicted to disrupt protein function, and has been observed more frequently in cases with the relevant disease than in healthy populations. Please note: this variant was assessed in the context of healthy population screening.

PreventionGenetics, part of Exact Sciences
Classification: Pathogenic for CEP290-related condition. Last evaluated: 2026-04-27. Review status: criteria provided, single submitter. Criteria: ACMG Guidelines, 2015. Collection method: clinical testing. Allele origin: germline.
Comment: The CEP290 c.828delA variant is predicted to result in a frameshift and premature protein termination (p.Lys277Lysfs*16). This variant has been reported with a second CEP290 variant in an individual diagnosed with a nephronophthisis-related ciliopathy and in another individual with retinitis pigmentosa (Halbritter et al. 2013. PubMed ID: 23559409; Wang et al. 2023. PubMed ID: 36990420). This variant is reported in 0.0022% of alleles in individuals of European (Non-Finnish) descent in gnomAD. Frameshift variants in CEP290 are expected to be pathogenic. This variant is interpreted as pathogenic.

Natera, Inc.
Classification: Pathogenic for Leber congenital amaurosis. Last evaluated: 2025-12-19. Review status: criteria provided, single submitter. Criteria: Natera Variant Classification Schema (03/2026). Collection method: clinical testing. Allele origin: germline.
Comment: The c.828delA variant in CEP290 is a frameshift variant predicted to shift the reading frame beginning at codon 277 and leads to a stop codon 16 codons downstream. This variant is expected to result in nonsense mediated decay, truncation, or a dysfunctional protein product. This variant is rare in the general population with a frequency below the threshold expected for the associated phenotype(s). This variant has been observed in one or more individuals affected with the associated recessive disease, as either homozygous or compound heterozygous with a second variant (PMID: 36990420, 23559409). Given the available evidence, this variant is classified as Pathogenic.

Labcorp Genetics (formerly Invitae), Labcorp
Classification: Pathogenic for Joubert syndrome; Meckel-Gruber syndrome; Nephronophthisis. Last evaluated: 2025-07-09. Review status: criteria provided, single submitter. Criteria: Invitae Variant Classification Sherloc (09022015). Collection method: clinical testing. Allele origin: germline.
Comment: This sequence change creates a premature translational stop signal (p.Glu277Lysfs*16) in the CEP290 gene. It is expected to result in an absent or disrupted protein product. Loss-of-function variants in CEP290 are known to be pathogenic (PMID: 16909394, 17345604, 20690115). The frequency data for this variant in the population databases is considered unreliable, as metrics indicate poor data quality at this position in the gnomAD database. This premature translational stop signal has been observed in individual(s) with nephronophthisis-related ciliopathy (PMID: 23559409). ClinVar contains an entry for this variant (Variation ID: 523947). For these reasons, this variant has been classified as Pathogenic.

Fulgent Genetics
Classification: Pathogenic for Joubert syndrome 5; Senior-Loken syndrome 6; Meckel syndrome, type 4; Leber congenital amaurosis 10; Bardet-Biedl syndrome 14. Last evaluated: 2024-04-09. Review status: criteria provided, single submitter. Criteria: ACMG Guidelines, 2015. Collection method: clinical testing. Allele origin: germline.

GeneDx
Classification: Pathogenic. Last evaluated: 2024-02-26. Review status: criteria provided, single submitter. Criteria: GeneDx Variant Classification Process June 2021. Collection method: clinical testing. Allele origin: germline. Affected: yes.
Comment: Observed with another variant in the CEP290 gene in a patient with ocular motor apraxia and intellectual disability, but it is not known whether the variants occurred on the same (in cis) or on different (in trans) chromosomes (PMID: 23559409); Frameshift variant predicted to result in protein truncation or nonsense mediated decay in a gene for which loss-of-function is a known mechanism of disease; Not observed at significant frequency in large population cohorts (gnomAD); This variant is associated with the following publications: (PMID: 23559409)

Baylor Genetics
Classification: Pathogenic for Bardet-Biedl syndrome 14. Last evaluated: 2023-12-27. Review status: criteria provided, single submitter. Criteria: ACMG Guidelines, 2015. Collection method: clinical testing. Allele origin: unknown.

Blueprint Genetics
Classification: Pathogenic for CEP290-related disorders. Last evaluated: 2022-01-28. Review status: criteria provided, single submitter. Criteria: ACMG Guidelines, 2015. Collection method: clinical testing. Allele origin: germline. Affected: yes. Observed: 5 variant alleles.

Literature cited by the submitters: PubMed 23559409 (cited by 3 submitters); PubMed 36990420 (cited by Myriad Genetics, Inc. and Natera, Inc.); PubMed 16909394 (cited by Labcorp Genetics (formerly Invitae), Labcorp); PubMed 17345604 (cited by Labcorp Genetics (formerly Invitae), Labcorp); PubMed 20690115 (cited by Labcorp Genetics (formerly Invitae), Labcorp).